The following is an entry in ClinVar:

NM_000183.3(HADHB):c.431C>T (p.Ala144Val)

Gene: HADHB (hydroxyacyl-CoA dehydrogenase trifunctional multienzyme complex subunit beta; plus strand). Cytogenetic location: 2p23.3.
Variant type: single nucleotide variant.
Coding change: c.431C>T on transcript NM_000183.3 (MANE Select); coding-DNA position 431, C replaced by T.
Protein change: p.Ala144Val; replaces alanine 144 with valine.
Molecular consequence: missense variant.
Genome position (GRCh38, 1-based): chr2:26,277,149, C>T. VCF-style: chr2-26277149-C-T. GRCh37 (hg19) VCF-style: chr2-26500017-C-T.
Other names: c.386C>T, p.Ala129Val (NM_001281512.2); c.365C>T, p.Ala122Val (NM_001281513.2); short protein forms A122V, A129V, A144V.
Identifiers: ClinVar variation 943970 (VCV000943970.10), dbSNP rs1672561193, ClinGen allele CA346092085.
Genomic context (GRCh38, chr2:26,277,149, plus strand): 5'-GCTTCTCTGACAAGACTCCTGCTCACACTGTCACCATGGCTTGTATCTCTGCCAACCAAG[C>T]CATGACCACAGGTATGTTTAAATGGAAACAGACAGTACATGTTAATTATTCTCCTTTGTC-3'
Protein context (NP_000174.1, residues 134-154): VTMACISANQ[Ala144Val]MTTGVGLIAS

ClinVar aggregate classification (germline): Uncertain significance (1 of 4 stars; one submission).

Conditions:
Mitochondrial trifunctional protein deficiency. Identifiers: Orphanet 746, MedGen C1969443, MONDO:0012172.

Submission:

Labcorp Genetics (formerly Invitae), Labcorp
Classification: Uncertain significance for Mitochondrial trifunctional protein deficiency. Last evaluated: 2019-09-20. Review status: criteria provided, single submitter. Criteria: Invitae Variant Classification Sherloc (09022015). Collection method: clinical testing. Allele origin: germline.
Comment: In summary, the available evidence is currently insufficient to determine the role of this variant in disease. Therefore, it has been classified as a Variant of Uncertain Significance. Algorithms developed to predict the effect of missense changes on protein structure and function (SIFT, PolyPhen-2, Align-GVGD) all suggest that this variant is likely to be disruptive, but these predictions have not been confirmed by published functional studies and their clinical significance is uncertain. This variant has been observed to segregate with mitochondrial trifunctional protein deficiency in a family (Invitae). This variant is not present in population databases (ExAC no frequency). This sequence change replaces alanine with valine at codon 144 of the HADHB protein (p.Ala144Val). The alanine residue is highly conserved and there is a small physicochemical difference between alanine and valine.